The following is an entry in ClinVar:

NM_024649.5(BBS1):c.1606A>G (p.Lys536Glu)

Genes: BBS1 (Bardet-Biedl syndrome 1; plus strand), ZDHHC24 (zDHHC palmitoyltransferase 24; minus strand). Cytogenetic location: 11q13.2.
Variant type: single nucleotide variant.
Coding change: c.1606A>G on transcript NM_024649.5 (MANE Select); coding-DNA position 1606, A replaced by G.
Protein change: p.Lys536Glu; replaces lysine 536 with glutamic acid.
Molecular consequence: missense variant. On other transcripts: intron variant (1).
Genome position (GRCh38, 1-based): chr11:66,531,026, A>G. VCF-style: chr11-66531026-A-G. GRCh37 (hg19) VCF-style: chr11-66298497-A-G.
Other names: c.560-1538T>C (NM_001348571.2); short protein forms K536E.
Identifiers: ClinVar variation 3058547 (VCV003058547.2), dbSNP rs766218865, ClinGen allele CA6123827.

ClinVar aggregate classification (germline): Uncertain significance (0 of 4 stars; one submission).

Conditions:
BBS1-related disorder. Also called: BBS1-related condition.

Allele frequency attached by ClinVar (database versions not stated): gnomAD exomes 0.00001; ExAC 0.00002; gnomAD 0.00001.
gnomAD v4.1: 21 of 1,613,988 alleles (0.0013%); highest among the groups gnomAD compares: Non-Finnish European, 0.0017%; no homozygotes.

Submission:

PreventionGenetics, part of Exact Sciences
Classification: Uncertain significance for BBS1-related condition. Last evaluated: 2024-02-07. Review status: no assertion criteria provided. Collection method: clinical testing. Allele origin: germline.
Comment: The BBS1 c.1606A>G variant is predicted to result in the amino acid substitution p.Lys536Glu. To our knowledge, this variant has not been reported in the literature. This variant is reported in 0.0035% of alleles in individuals of European (Non-Finnish) descent in gnomAD. At this time, the clinical significance of this variant is uncertain due to the absence of conclusive functional and genetic evidence.